The following is an entry in ClinVar:

NM_000051.4(ATM):c.-30-180C>T

Gene: ATM (ATM serine/threonine kinase; plus strand). Cytogenetic location: 11q22.3.
Variant type: single nucleotide variant.
Coding change: c.-30-180C>T on transcript NM_000051.4 (MANE Select); 180 bases into the intron before 30 bases upstream of the start codon, C replaced by T.
Molecular consequence: intron variant.
Genome position (GRCh38, 1-based): chr11:108,227,415, C>T. VCF-style: chr11-108227415-C-T. GRCh37 (hg19) VCF-style: chr11-108098142-C-T.
Other names: c.-30-180C>T (NM_001351834.2, NM_001351835.2, NM_001351836.2).
Identifiers: ClinVar variation 678197 (VCV000678197.2), dbSNP rs4987897, ClinGen allele CA15688402.

ClinVar aggregate classification (germline): Likely benign. Review status: criteria provided, multiple submitters, no conflicts (2 of 4 stars). 2 submissions from 2 submitters: Likely benign (2). Last evaluated 2018-06-18.

Allele frequency attached by ClinVar (database versions not stated): gnomAD 0.01302 and 0.01399; TOPMed 0.01519; 1000 Genomes Project 0.01637; 1000 Genomes Project 30x 0.01702.
gnomAD v4.1: 2,539 of 516,230 alleles (0.49%); highest among the groups gnomAD compares: African/African-American, 4.3%; 63 homozygotes.

Submissions (2):

GeneDx
Classification: Likely benign. Last evaluated: 2018-06-18. Review status: criteria provided, single submitter. Criteria: GeneDx Variant Classification (06012015). Collection method: clinical testing. Allele origin: germline. Affected: yes.
Comment: This variant is considered likely benign or benign based on one or more of the following criteria: it is a conservative change, it occurs at a poorly conserved position in the protein, it is predicted to be benign by multiple in silico algorithms, and/or has population frequency not consistent with disease.

Breakthrough Genomics
Classification: Likely benign. Review status: criteria provided, single submitter. Criteria: ACMG Guidelines, 2015. Collection method: not provided. Allele origin: germline. Inheritance: Autosomal recessive inheritance. Affected: yes.